The following is an entry in ClinVar:

ClinVar aggregate classification (germline): Uncertain significance (1 of 4 stars; one submission).

Conditions:
Gorlin syndrome. Also called: Nevoid Basal Cell Carcinoma Syndrome; Basal cell nevus syndrome. Identifiers: Orphanet 377, MedGen C0004779, MONDO:0007187.

Allele frequency attached by ClinVar (database versions not stated): gnomAD exomes below 0.00001; TOPMed 0.00001.
gnomAD v4.1: 1 of 1,612,376 alleles (0.000062%); highest among the groups gnomAD compares: East Asian, 0.0022%; no homozygotes.

Submission:

Labcorp Genetics (formerly Invitae), Labcorp
Classification: Uncertain significance for Gorlin syndrome. Last evaluated: 2021-02-25. Review status: criteria provided, single submitter. Criteria: Invitae Variant Classification Sherloc (09022015). Collection method: clinical testing. Allele origin: germline.
Comment: In summary, the available evidence is currently insufficient to determine the role of this variant in disease. Therefore, it has been classified as a Variant of Uncertain Significance. Algorithms developed to predict the effect of missense changes on protein structure and function are either unavailable or do not agree on the potential impact of this missense change (SIFT: "Deleterious"; PolyPhen-2: "Benign"; Align-GVGD: "Class C0"). This variant has not been reported in the literature in individuals with PTCH2-related conditions. This variant is not present in population databases (ExAC no frequency). This sequence change replaces glutamic acid with glycine at codon 223 of the PTCH2 protein (p.Glu223Gly). The glutamic acid residue is moderately conserved and there is a moderate physicochemical difference between glutamic acid and glycine.

NM_003738.5(PTCH2):c.668A>G (p.Glu223Gly)

Gene: PTCH2 (patched 2; minus strand). Cytogenetic location: 1p34.1.
Variant type: single nucleotide variant.
Coding change: c.668A>G on transcript NM_003738.5 (MANE Select); coding-DNA position 668, A replaced by G.
Protein change: p.Glu223Gly; replaces glutamic acid 223 with glycine.
Molecular consequence: missense variant.
Genome position (GRCh38, 1-based): chr1:44,830,993, T>C on the plus strand (A>G on the coding strand, the complement: PTCH2 is on the minus strand). VCF-style: chr1-44830993-T-C. GRCh37 (hg19) VCF-style: chr1-45296665-T-C.
Other names: c.668A>G, p.Glu223Gly (NM_001166292.2); short protein forms E223G.
Identifiers: ClinVar variation 1021475 (VCV001021475.12), dbSNP rs1393241791, ClinGen allele CA340106920.